The following is an entry in ClinVar:

ClinVar aggregate classification (germline): Uncertain significance (1 of 4 stars; one submission).

Submission:

CeGaT Center for Human Genetics Tuebingen
Classification: Uncertain significance. Last evaluated: 2023-12-01. Review status: criteria provided, single submitter. Criteria: CeGaT Center For Human Genetics Tuebingen Variant Classification Criteria Version 2. Collection method: clinical testing. Allele origin: germline. Affected: yes. Observed: 1 variant allele.
Comment: BRWD3: PM2, BP4

NM_153252.5(BRWD3):c.121-4C>T

Gene: BRWD3 (bromodomain and WD repeat domain containing 3; minus strand). Cytogenetic location: Xq21.1.
Variant type: single nucleotide variant.
Coding change: c.121-4C>T on transcript NM_153252.5 (MANE Select); 4 bases into the intron before coding-DNA position 121, C replaced by T.
Molecular consequence: intron variant.
Genome position (GRCh38, 1-based): chrX:80,808,602, G>A on the plus strand (C>T on the coding strand, the complement: BRWD3 is on the minus strand). VCF-style: chrX-80808602-G-A. GRCh37 (hg19) VCF-style: chrX-80064101-G-A.
Identifiers: ClinVar variation 3026699 (VCV003026699.22), dbSNP rs2521148653, ClinGen allele CA2740092231.